The following is an entry in ClinVar:

ClinVar aggregate classification (germline): Uncertain significance (0 of 4 stars; one submission).

Conditions:
ROBO3-related disorder. Also called: ROBO3-related condition.

Submission:

PreventionGenetics, part of Exact Sciences
Classification: Uncertain significance for ROBO3-related condition. Last evaluated: 2023-10-23. Review status: no assertion criteria provided. Collection method: clinical testing. Allele origin: germline.
Comment: The ROBO3 c.2308_2310delinsTGT variant is predicted to result in an in-frame deletion and insertion. To our knowledge, this variant has not been reported in the literature. Of note, the multi-nucleotide variant c.2308_2310delinsTGT is documented separately as c.2308G>T (p.Gly770Cys) and c.2310C>T (p.Gly770=) in a large population database, both reported in ~0.13% of alleles in individuals of European (Non-Finnish) descent. Although we suspect that this variant may be benign, at this time, the clinical significance of this variant is uncertain due to the absence of conclusive functional and genetic evidence.

NM_022370.4(ROBO3):c.2308_2310delinsTGT (p.Gly770Cys)

Gene: ROBO3 (roundabout guidance receptor 3; plus strand). Cytogenetic location: 11q24.2.
Variant type: Indel.
Coding change: c.2308_2310delinsTGT on transcript NM_022370.4 (MANE Select); coding-DNA positions 2308 to 2310, GGC replaced by TGT.
Protein change: p.Gly770Cys; replaces glycine 770 with cysteine.
Molecular consequence: missense variant.
Genome position (GRCh38, 1-based): chr11:124,875,572-124,875,574, GGC replaced by TGT. VCF-style: chr11-124875572-GGC-TGT. GRCh37 (hg19) VCF-style: chr11-124745468-GGC-TGT.
Other names: short protein forms G770C.
Identifiers: ClinVar variation 3053294 (VCV003053294.2), dbSNP rs2497291912, ClinGen allele CA2740093243.